The following is an entry in ClinVar:

NM_001048174.2(MUTYH):c.136G>A (p.Glu46Lys)

Gene: MUTYH (mutY DNA glycosylase; minus strand). Cytogenetic location: 1p34.1.
Variant type: single nucleotide variant.
Coding change: c.136G>A on transcript NM_001048174.2 (MANE Select); coding-DNA position 136, G replaced by A.
Protein change: p.Glu46Lys; replaces glutamic acid 46 with lysine.
Molecular consequence: missense variant. On other transcripts: intron variant (5), 5 prime UTR variant (1), non-coding transcript variant (5).
Genome position (GRCh38, 1-based): chr1:45,333,541, C>T on the plus strand (G>A on the coding strand, the complement: MUTYH is on the minus strand). VCF-style: chr1-45333541-C-T. GRCh37 (hg19) VCF-style: chr1-45799213-C-T.
Other names: c.136G>A, p.Glu46Lys (NM_001407072.1, NM_001407080.1, NM_001407081.1 and 6 more transcripts); c.178G>A, p.Glu60Lys (NM_001407073.1, NM_001407083.1, NM_001407085.1); c.52G>A, p.Glu18Lys (NM_001407075.1); c.169G>A, p.Glu57Lys (NM_001407077.1, NM_001293191.2); c.139G>A, p.Glu47Lys (NM_001407078.1, NM_001407079.1, NM_001407086.1 and 2 more transcripts); c.157G>A, p.Glu53Lys (NM_001407087.1); c.-97-44G>A (NM_001293192.2, NM_001293196.2, NM_001407091.1); c.-92-44G>A (NM_001407082.1, NM_001350651.2); and 4 more; short protein forms E46K, E57K, E53K, E71K, E18K, E61K, E47K, E60K.
Identifiers: ClinVar variation 4113517 (VCV004113517.1).

ClinVar aggregate classification (germline): Uncertain significance (1 of 4 stars; one submission).

Conditions:
Hereditary cancer-predisposing syndrome. Also called: Hereditary neoplastic syndrome; Neoplastic Syndromes, Hereditary; Tumor predisposition; Hereditary Cancer Syndrome. Identifiers: Orphanet 140162, MedGen C0027672, MeSH D009386, MONDO:0015356.

Submission:

Ambry Genetics
Classification: Uncertain significance for Hereditary cancer-predisposing syndrome. Last evaluated: 2025-08-27. Review status: criteria provided, single submitter. Criteria: Ambry Variant Classification Scheme 2023. Collection method: clinical testing. Allele origin: germline.
Comment: The p.E74K variant (also known as c.220G>A), located in coding exon 3 of the MUTYH gene, results from a G to A substitution at nucleotide position 220. The glutamic acid at codon 74 is replaced by lysine, an amino acid with similar properties. This amino acid position is conserved. In addition, this alteration is predicted to be tolerated by in silico analysis. Based on the available evidence, the clinical significance of this variant remains unclear.